The following is an entry in ClinVar:

ClinVar aggregate classification (germline): Pathogenic (0 of 4 stars; one submission).

Conditions:
Hermansky-Pudlak syndrome 8 (HPS8). Identifiers: Orphanet 79430, MedGen C3888026, MONDO:0013560, OMIM 614077.

Submission:

Laboratoire de Génétique Moléculaire, CHU Bordeaux
Classification: Pathogenic for Hermansky-Pudlak syndrome 8. Last evaluated: 2020-03-30. Review status: no assertion criteria provided. Collection method: clinical testing. Allele origin: germline. Inheritance: Autosomal recessive inheritance. Affected: yes. Observed: 1 homozygote.
Comment: Ocular albinism was suspected due to ocular amblyopia, visual acuity of 20/50 (Snellen), bilateral iris transillumination and foveolar shaking on the Optical Coherence Tomography (OCT). NGS analysis identified a homozygous 24 bp in frame deletion in the coding sequence of BLOC1S3, NM_212550.3:c.444_467del (p.(Gln150_Ala157del)). This deletion is reported once, at heterozygous state, in the GnomAD database and is absent from EVS. It involves two highly conserved amino acids, Leu146 and Gln150 within a domain of unknown function (Figure1). ACMG Classification is in favor of a VOUS (PM2, PM4, PP3).

Literature cited by the submitters: PubMed 29345414.

NM_212550.5(BLOC1S3):c.444_467del (p.Gln150_Ala157del)

Gene: BLOC1S3 (biogenesis of lysosomal organelles complex 1 subunit 3; plus strand). Cytogenetic location: 19q13.32.
Variant type: Deletion.
Coding change: c.444_467del on transcript NM_212550.5 (MANE Select); coding-DNA positions 444 to 467, 24 bases deleted (AGCCCAGGCGGCGGGGCTGGCGGC).
Protein change: p.Gln150_Ala157del.
Molecular consequence: inframe deletion.
Genome position (GRCh38, 1-based): chr19:45,179,740-45,179,763, AGCCCAGGCGGCGGGGCTGGCGGC deleted; deleting any 24 consecutive bases within chr19:45,179,730-45,179,763 gives the same sequence; the c. name uses the placement nearest the transcript's 3' end. VCF-style (leftmost placement, unchanged base first): chr19-45179729-AGGCTGGCGGCAGCCCAGGCGGCGG-A. GRCh37 (hg19) VCF-style: chr19-45682987-AGGCTGGCGGCAGCCCAGGCGGCGG-A.
Identifiers: ClinVar variation 870134 (VCV000870134.2), dbSNP rs754841982, ClinGen allele CA9510252.